The following is an entry in ClinVar:

ClinVar aggregate classification (germline): Uncertain significance (0 of 4 stars; one submission).

Conditions:
PLIN1-related disorder. Also called: PLIN1-related condition.

Allele frequency attached by ClinVar (database versions not stated): gnomAD 0.00001; TOPMed 0.00002; ESP Exome Variant Server 0.00008.
gnomAD v4.1: 25 of 1,613,480 alleles (0.0015%); highest among the groups gnomAD compares: African/African-American, 0.0053%; no homozygotes.

Submission:

PreventionGenetics, part of Exact Sciences
Classification: Uncertain significance for PLIN1-related condition. Last evaluated: 2024-02-05. Review status: no assertion criteria provided. Collection method: clinical testing. Allele origin: germline.
Comment: The PLIN1 c.985C>T variant is predicted to result in premature protein termination (p.Arg329*). This variant has been reported in an individual with renal agenesis (Laver et al., 2018. PubMed ID: 30020498). This variant was also included in a study of the impact of loss of function variants in PLIN1 on the metabolic profile of individuals with lipodystrophy (Patel et al., 2022. PubMed ID: 35235652). This variant is reported in 0.0080% of alleles in individuals of African descent in gnomAD. At this time, the clinical significance of this variant is uncertain due to the absence of conclusive functional and genetic evidence.

NM_002666.5(PLIN1):c.985C>T (p.Arg329Ter)

Gene: PLIN1 (perilipin 1; minus strand). Cytogenetic location: 15q26.1.
Variant type: single nucleotide variant.
Coding change: c.985C>T on transcript NM_002666.5 (MANE Select); coding-DNA position 985, C replaced by T.
Protein change: p.Arg329Ter; replaces arginine 329 with a stop codon.
Molecular consequence: nonsense.
Genome position (GRCh38, 1-based): chr15:89,667,160, G>A on the plus strand (C>T on the coding strand, the complement: PLIN1 is on the minus strand). VCF-style: chr15-89667160-G-A. GRCh37 (hg19) VCF-style: chr15-90210391-G-A.
Other names: c.985C>T, p.Arg329Ter (NM_001145311.2); short protein forms R329*.
Identifiers: ClinVar variation 3057766 (VCV003057766.2), dbSNP rs147317847, ClinGen allele CA7728844.
Genomic context (GRCh38, chr15:89,667,160, plus strand): 5'-CCGAGATGGTGGTCTGGAGGGTCTTCTGCAGGGTATGTGCCACACCACCCAGGAGGCCTC[G>A]AGGGCCTGGCAGGGCTGCTACCTGGGGGCCAAAGCAGGGTCAGTGCCTCCTGTGGTAACT-3'